The following is an entry in ClinVar:

NM_000551.4(VHL):c.39A>T (p.Val13=)

Gene: VHL (von Hippel-Lindau tumor suppressor; plus strand). Cytogenetic location: 3p25.3.
Variant type: single nucleotide variant.
Coding change: c.39A>T on transcript NM_000551.4 (MANE Select); coding-DNA position 39, A replaced by T.
Protein change: p.Val13=; no amino-acid change (valine 13 retained).
Molecular consequence: synonymous variant.
Genome position (GRCh38, 1-based): chr3:10,141,886, A>T. VCF-style: chr3-10141886-A-T. GRCh37 (hg19) VCF-style: chr3-10183570-A-T.
Other names: c.39A>T, p.Val13= (NM_001354723.2, NM_198156.3).
Identifiers: ClinVar variation 757213 (VCV000757213.13), dbSNP rs996469746, ClinGen allele CA432536164.

ClinVar aggregate classification (germline): Benign/Likely benign. Review status: criteria provided, multiple submitters, no conflicts (2 of 4 stars). 3 submissions from 3 submitters: Benign (1); Likely benign (2). Last evaluated 2025-06-10.

Conditions:
Von Hippel-Lindau syndrome (VHLS). Also called: von Hippel–Lindau syndrome; Von Hippel-Lindau; VHL syndrome. Identifiers: Orphanet 892, MedGen C0019562, MONDO:0008667, OMIM 193300. Disease mechanism: loss of function.
Hereditary cancer-predisposing syndrome. Also called: Tumor predisposition; Hereditary Cancer Syndrome; Neoplastic Syndromes, Hereditary; Hereditary neoplastic syndrome. Identifiers: Orphanet 140162, MedGen C0027672, MeSH D009386, MONDO:0015356.
Chuvash polycythemia. Also called: POLYCYTHEMIA, VHL-DEPENDENT. Identifiers: Orphanet 238557, MedGen C1837915, MONDO:0009892, OMIM 263400.

Allele frequency attached by ClinVar (database versions not stated): gnomAD exomes 0.00001; TOPMed 0.00001.
gnomAD v4.1: 14 of 1,532,710 alleles (0.00091%); highest among the groups gnomAD compares: Non-Finnish European, 0.0011%; no homozygotes.

Submissions (3):

Myriad Genetics, Inc.
Classification: Benign for Von Hippel-Lindau syndrome. Last evaluated: 2025-06-10. Review status: criteria provided, single submitter. Criteria: Myriad Autosomal Dominant, Autosomal Recessive and X-Linked Classification Criteria (2023). Collection method: clinical testing. Allele origin: unknown.
Comment: This variant is considered benign. This variant is a silent/synonymous amino acid change and it is not expected to impact splicing.

Ambry Genetics
Classification: Likely benign for Hereditary cancer-predisposing syndrome. Last evaluated: 2023-06-08. Review status: criteria provided, single submitter. Criteria: Ambry Variant Classification Scheme 2023. Collection method: clinical testing. Allele origin: germline.

Labcorp Genetics (formerly Invitae), Labcorp
Classification: Likely benign for Von Hippel-Lindau syndrome; Chuvash polycythemia. Last evaluated: 2021-01-20. Review status: criteria provided, single submitter. Criteria: Invitae Variant Classification Sherloc (09022015). Collection method: clinical testing. Allele origin: germline.